The following is an entry in ClinVar:

NM_172107.4(KCNQ2):c.658C>A (p.Leu220Met)

Gene: KCNQ2 (potassium voltage-gated channel subfamily Q member 2; minus strand). Cytogenetic location: 20q13.33.
Variant type: single nucleotide variant.
Coding change: c.658C>A on transcript NM_172107.4 (MANE Select); coding-DNA position 658, C replaced by A.
Protein change: p.Leu220Met; replaces leucine 220 with methionine.
Molecular consequence: missense variant.
Genome position (GRCh38, 1-based): chr20:63,444,691, G>T on the plus strand (C>A on the coding strand, the complement: KCNQ2 is on the minus strand). VCF-style: chr20-63444691-G-T. GRCh37 (hg19) VCF-style: chr20-62076044-G-T.
Other names: c.658C>A, p.Leu220Met (NM_001382235.1, NM_004518.6, NM_172106.3 and 2 more transcripts); short protein forms L220M.
Identifiers: ClinVar variation 2027411 (VCV002027411.4), dbSNP rs2516502005, ClinGen allele CA409654702.

ClinVar aggregate classification (germline): Pathogenic (1 of 4 stars; one submission).

Conditions:
Early-infantile DEE. Also called: Ohtahara syndrome; Early infantile epileptic encephalopathy with suppression bursts; Early infantile epileptic encephalopathy. Identifiers: Orphanet 1934, MedGen C0393706, MONDO:0800491.

Submission:

Labcorp Genetics (formerly Invitae), Labcorp
Classification: Pathogenic for Early-infantile DEE. Last evaluated: 2022-09-17. Review status: criteria provided, single submitter. Criteria: Invitae Variant Classification Sherloc (09022015). Collection method: clinical testing. Allele origin: germline.
Comment: For these reasons, this variant has been classified as Pathogenic. Advanced modeling of protein sequence and biophysical properties (such as structural, functional, and spatial information, amino acid conservation, physicochemical variation, residue mobility, and thermodynamic stability) performed at Invitae indicates that this missense variant is expected to disrupt KCNQ2 protein function. This missense change has been observed in individual(s) with KCNQ2-related conditions (Invitae). In at least one individual the variant was observed to be de novo. This variant is not present in population databases (gnomAD no frequency). This sequence change replaces leucine, which is neutral and non-polar, with methionine, which is neutral and non-polar, at codon 220 of the KCNQ2 protein (p.Leu220Met).